The following is an entry in ClinVar:

NM_032656.4(DHX37):c.2716G>A (p.Ala906Thr)

Gene: DHX37 (DEAH-box helicase 37; minus strand). Cytogenetic location: 12q24.31.
Variant type: single nucleotide variant.
Coding change: c.2716G>A on transcript NM_032656.4 (MANE Select); coding-DNA position 2716, G replaced by A.
Protein change: p.Ala906Thr; replaces alanine 906 with threonine.
Molecular consequence: missense variant.
Genome position (GRCh38, 1-based): chr12:124,952,550, C>T on the plus strand (G>A on the coding strand, the complement: DHX37 is on the minus strand). VCF-style: chr12-124952550-C-T. GRCh37 (hg19) VCF-style: chr12-125437096-C-T.
Other names: short protein forms A906T.
Identifiers: ClinVar variation 5039970 (VCV005039970.1).
Genomic context (GRCh38, chr12:124,952,550, plus strand): 5'-GCAGGTAGGTCACCTGGCTCTCGGTGGGCGGCTGCATCTTGGGATCCACGAAGAGCTCAG[C>T]CTCGGGGCACACGGCATTGACTGAGGGGAGAACCAAGAGTGAGGTCGGTGGTGGCAAGGC-3'
Protein context (NP_116045.2, residues 896-916): TTAVNAVCPE[Ala906Thr]ELFVDPKMQP

ClinVar aggregate classification (germline): Uncertain significance (1 of 4 stars; one submission).

Submission:

CeGaT Center for Human Genetics Tuebingen
Classification: Uncertain significance. Last evaluated: 2026-07-01. Review status: criteria provided, single submitter. Criteria: CeGaT Center For Human Genetics Tuebingen Variant Classification Criteria Version 2. Collection method: clinical testing. Allele origin: germline. Affected: yes. Observed: 1 variant allele.
Comment: DHX37: PM2, BP4